The following is an entry in ClinVar:

ClinVar aggregate classification (germline): Uncertain significance (1 of 4 stars; one submission).

Conditions:
Cardiovascular phenotype. Identifiers: MedGen CN230736.

Submission:

Ambry Genetics
Classification: Uncertain significance for Cardiovascular phenotype. Last evaluated: 2025-04-05. Review status: criteria provided, single submitter. Criteria: Ambry Variant Classification Scheme 2023. Collection method: clinical testing. Allele origin: germline.
Comment: The p.D75N variant (also known as c.223G>A), located in coding exon 4 of the TNNC1 gene, results from a G to A substitution at nucleotide position 223. The aspartic acid at codon 75 is replaced by asparagine, an amino acid with highly similar properties. This amino acid position is conserved. In addition, this alteration is predicted to be tolerated by in silico analysis. Based on the available evidence, the clinical significance of this variant remains unclear.

NM_003280.3(TNNC1):c.223G>A (p.Asp75Asn)

Gene: TNNC1 (troponin C1, slow skeletal and cardiac type; minus strand). Cytogenetic location: 3p21.1.
Variant type: single nucleotide variant.
Coding change: c.223G>A on transcript NM_003280.3 (MANE Select); coding-DNA position 223, G replaced by A.
Protein change: p.Asp75Asn; replaces aspartic acid 75 with asparagine.
Molecular consequence: missense variant.
Genome position (GRCh38, 1-based): chr3:52,451,838, C>T on the plus strand (G>A on the coding strand, the complement: TNNC1 is on the minus strand). VCF-style: chr3-52451838-C-T. GRCh37 (hg19) VCF-style: chr3-52485854-C-T.
Other names: short protein forms D75N.
Identifiers: ClinVar variation 3971615 (VCV003971615.1).